The following is an entry in ClinVar:

NM_006080.3(SEMA3A):c.1536C>T (p.Leu512=)

Gene: SEMA3A (semaphorin 3A; minus strand). Cytogenetic location: 7q21.11.
Variant type: single nucleotide variant.
Coding change: c.1536C>T on transcript NM_006080.3 (MANE Select); coding-DNA position 1536, C replaced by T.
Protein change: p.Leu512=; no amino-acid change (leucine 512 retained).
Molecular consequence: synonymous variant.
Genome position (GRCh38, 1-based): chr7:83,981,437, G>A on the plus strand (C>T on the coding strand, the complement: SEMA3A is on the minus strand). VCF-style: chr7-83981437-G-A. GRCh37 (hg19) VCF-style: chr7-83610753-G-A.
Identifiers: ClinVar variation 3357102 (VCV003357102.1).

ClinVar aggregate classification (germline): Likely benign (0 of 4 stars; one submission).

Conditions:
SEMA3A-related disorder. Also called: SEMA3A-related condition.

gnomAD v4.1: 6 of 1,613,478 alleles (0.00037%); highest among the groups gnomAD compares: Admixed American, 0.0067%; no homozygotes.

Submission:

PreventionGenetics, part of Exact Sciences
Classification: Likely benign for SEMA3A-related condition. Last evaluated: 2021-07-13. Review status: no assertion criteria provided. Collection method: clinical testing. Allele origin: germline.
Comment: This variant is classified as likely benign based on ACMG/AMP sequence variant interpretation guidelines (Richards et al. 2015 PMID: 25741868, with internal and published modifications).